The following is an entry in ClinVar:

ClinVar aggregate classification (germline): Likely benign. Review status: criteria provided, multiple submitters, no conflicts (2 of 4 stars). 2 submissions from 2 submitters: Likely benign (2). Last evaluated 2018-06-16.

Allele frequency attached by ClinVar (database versions not stated): 1000 Genomes Project 0.00160; 1000 Genomes Project 30x 0.00172; TOPMed 0.00589; gnomAD 0.00657 and 0.00692; gnomAD exomes 0.00787.
gnomAD v4.1: 8,018 of 1,046,974 alleles (0.77%); highest among the groups gnomAD compares: Non-Finnish European, 0.97%; 47 homozygotes.

Submissions (2):

GeneDx
Classification: Likely benign. Last evaluated: 2018-06-16. Review status: criteria provided, single submitter. Criteria: GeneDx Variant Classification (06012015). Collection method: clinical testing. Allele origin: germline. Affected: yes.
Comment: This variant is considered likely benign or benign based on one or more of the following criteria: it is a conservative change, it occurs at a poorly conserved position in the protein, it is predicted to be benign by multiple in silico algorithms, and/or has population frequency not consistent with disease.

Breakthrough Genomics
Classification: Likely benign. Review status: criteria provided, single submitter. Criteria: ACMG Guidelines, 2015. Collection method: not provided. Allele origin: germline. Inheritance: Autosomal recessive inheritance. Affected: yes.

NM_001235.5(SERPINH1):c.-34-103G>A

Gene: SERPINH1 (serpin family H member 1; plus strand). Cytogenetic location: 11q13.5.
Variant type: single nucleotide variant.
Coding change: c.-34-103G>A on transcript NM_001235.5 (MANE Select); 103 bases into the intron before 34 bases upstream of the start codon, G replaced by A.
Molecular consequence: intron variant.
Genome position (GRCh38, 1-based): chr11:75,566,213, G>A. VCF-style: chr11-75566213-G-A. GRCh37 (hg19) VCF-style: chr11-75277258-G-A.
Other names: c.-34-103G>A (NM_001207014.3).
Identifiers: ClinVar variation 676717 (VCV000676717.2), dbSNP rs147548875, ClinGen allele CA224681411.
Genomic context (GRCh38, chr11:75,566,213, plus strand): 5'-GCCTCTGAGAGGCTGGCAGCTCTGAGTCAAGTCTGGGATTCCTGGACTGTGGGCTCTCTT[G>A]CCCCCATCTCCAGGGGACTTGTGGCAGCCAGAGAGCTGAGGGTGGTTGTTGGGGAGGAAG-3'